The following is an entry in ClinVar:

ClinVar aggregate classification (germline): Uncertain significance (0 of 4 stars; one submission).

Conditions:
CEP290-related disorder. Also called: CEP290-related condition; CEP290-related disorders. Identifiers: MedGen CN239314.

gnomAD v4.1: 178 of 152,292 alleles (0.12%); highest among the groups gnomAD compares: South Asian, 0.21%; no homozygotes.

Submission:

PreventionGenetics, part of Exact Sciences
Classification: Uncertain significance for CEP290-related condition. Last evaluated: 2024-04-04. Review status: no assertion criteria provided. Collection method: clinical testing. Allele origin: germline.
Comment: The CEP290 c.5710-284A>G variant is predicted to interfere with splicing. To our knowledge, this variant has not been reported in the literature. This variant is reported in 0.11% of alleles in individuals of European (Non-Finnish) descent in gnomAD. This variant could be benign. However, the use of computer prediction programs is not equivalent to functional evidence, and therefore the clinical significance of this variant is uncertain.

NM_025114.4(CEP290):c.5710-284A>G

Gene: CEP290 (centrosomal protein 290; minus strand). Cytogenetic location: 12q21.32.
Variant type: single nucleotide variant.
Coding change: c.5710-284A>G on transcript NM_025114.4 (MANE Select); 284 bases into the intron before coding-DNA position 5710, A replaced by G.
Molecular consequence: intron variant.
Genome position (GRCh38, 1-based): chr12:88,072,210, T>C on the plus strand (A>G on the coding strand, the complement: CEP290 is on the minus strand). VCF-style: chr12-88072210-T-C. GRCh37 (hg19) VCF-style: chr12-88465987-T-C.
Identifiers: ClinVar variation 3353429 (VCV003353429.1).
Genomic context (GRCh38, chr12:88,072,210, plus strand): 5'-GCATATACATAATGAGATATCTTAGGGATGGGTCCCAAGTCCAAACACAAAATTCACTTA[T>C]GTTTCACATACACCTTCTACACATAGCTTGGAGGTAGTATTATACAATATTTTTTAATAA-3'